The following is an entry in ClinVar:

ClinVar aggregate classification (germline): Uncertain significance. Review status: reviewed by expert panel (3 of 4 stars). 2 submissions from 2 submitters: Uncertain significance (1). 1 of the submissions does not count toward it. Last evaluated 2025-01-15.

Conditions:
Hereditary thrombocytopenia and hematologic cancer predisposition syndrome. Identifiers: Orphanet 71290, MedGen CN281654, MONDO:0011071.
Hereditary thrombocytopenia and hematological cancer predisposition syndrome associated with RUNX1. Also called: PLATELET DISORDER, ASPIRIN-LIKE; RUNX1 Familial Platelet Disorder with Associated Myeloid Malignancies; Familial Platelet Disorder with Propensity to Acute Myelogenous Leukemia; Familial thrombocytopenia with propensity to acute myelogenous leukemia. Identifiers: Orphanet 71290, MedGen C1832388, MeSH C563324, MONDO:0100083, OMIM 601399.

Submissions (2):

ClinGen Myeloid Malignancy Variant Curation Expert Panel
Classification: Uncertain significance for Hereditary thrombocytopenia and hematologic cancer predisposition syndrome. Last evaluated: 2025-01-15. Review status: reviewed by expert panel. Criteria: ClinGen MyeloMalig ACMG Specifications v2. Collection method: curation. Allele origin: germline. Inheritance: Autosomal dominant inheritance.
Comment: NM_001754.5(RUNX1):c.*1293A>G is a 3' UTR variant which is completely absent from all population databases with at least 20x coverage for RUNX1 (PM2_Supporting). In summary, the clinical significance of this variant is uncertain. ACMG/AMP criteria applied, as specified by the Myeloid Malignancy Variant Curation Expert Panel for RUNX1: PM2_supporting.

Illumina Laboratory Services, Illumina
Classification: Uncertain significance for Hereditary thrombocytopenia and hematological cancer predisposition syndrome associated with RUNX1. Last evaluated: 2017-04-27. Review status: criteria provided, single submitter. Criteria: ICSL Variant Classification Criteria 13 December 2019. Collection method: clinical testing. Allele origin: germline. Not counted in ClinVar's aggregate classification.

NM_001754.5(RUNX1):c.*1293A>G

Gene: RUNX1 (RUNX family transcription factor 1; minus strand). Cytogenetic location: 21q22.12.
Variant type: single nucleotide variant.
Coding change: c.*1293A>G on transcript NM_001754.5 (MANE Select); 1293 bases downstream of the stop codon, A replaced by G.
Molecular consequence: 3 prime UTR variant.
Genome position (GRCh38, 1-based): chr21:34,790,842, T>C on the plus strand (A>G on the coding strand, the complement: RUNX1 is on the minus strand). VCF-style: chr21-34790842-T-C. GRCh37 (hg19) VCF-style: chr21-36163139-T-C.
Other names: c.*1293A>G (NM_001001890.3).
Identifiers: ClinVar variation 895824 (VCV000895824.5), dbSNP rs2056425227, ClinGen allele CA1139666832.
Genomic context (GRCh38, chr21:34,790,842, plus strand): 5'-GCTTCTGGTGGGCCCTTAAATTGCTATAATCGTAACCCCTAAATTCATTGATTTGGTTCC[T>C]ATGTAAATGTGGCTCCCCTACACAGTTTACTTTGGCTGTGTTCTGTTACACAGCATCTGT-3'